The following is an entry in ClinVar:

NM_015702.3(MMADHC):c.149A>G (p.Asp50Gly)

Gene: MMADHC (metabolism of cobalamin associated D; minus strand). Cytogenetic location: 2q23.2.
Variant type: single nucleotide variant.
Coding change: c.149A>G on transcript NM_015702.3 (MANE Select); coding-DNA position 149, A replaced by G.
Protein change: p.Asp50Gly; replaces aspartic acid 50 with glycine.
Molecular consequence: missense variant.
Genome position (GRCh38, 1-based): chr2:149,582,132, T>C on the plus strand (A>G on the coding strand, the complement: MMADHC is on the minus strand). VCF-style: chr2-149582132-T-C. GRCh37 (hg19) VCF-style: chr2-150438646-T-C.
Other names: short protein forms D50G.
Identifiers: ClinVar variation 2154552 (VCV002154552.1), dbSNP rs748278993, ClinGen allele CA1902493.
Genomic context (GRCh38, chr2:149,582,132, plus strand): 5'-CAACTAAAAATGTTTTGAAACAATTATAAGTAAAGCAGTAACAACTTTCACTTACATATA[T>C]CTGGAGGTGCAGCAGCCACATGAGACTCATCCGAACCTGATGATCCTGCAGTCGAAAAGG-3'
Protein context (NP_056517.1, residues 40-60): DESHVAAAPP[Asp50Gly]ICSRTVWPDE

ClinVar aggregate classification (germline): Uncertain significance (1 of 4 stars; one submission).

Conditions:
Methylmalonic aciduria and homocystinuria type cblD (MAHCD). Also called: Methylmalonic aciduria with homocystinuria cblD type; METHYLMALONIC ACIDEMIA, cblH TYPE. Identifiers: Orphanet 622, Orphanet 79283, MedGen C1848552, MONDO:0010185, OMIM 277410.

Allele frequency attached by ClinVar (database versions not stated): gnomAD 0.00001; gnomAD exomes 0.00001; TOPMed 0.00001; ExAC 0.00002.
gnomAD v4.1: 19 of 1,613,730 alleles (0.0012%); highest among the groups gnomAD compares: East Asian, 0.0089%; no homozygotes.

Submission:

Labcorp Genetics (formerly Invitae), Labcorp
Classification: Uncertain significance for Methylmalonic aciduria and homocystinuria type cblD. Last evaluated: 2022-03-04. Review status: criteria provided, single submitter. Criteria: Invitae Variant Classification Sherloc (09022015). Collection method: clinical testing. Allele origin: germline.
Comment: This sequence change replaces aspartic acid, which is acidic and polar, with glycine, which is neutral and non-polar, at codon 50 of the MMADHC protein (p.Asp50Gly). This variant is present in population databases (rs748278993, gnomAD 0.02%). This variant has not been reported in the literature in individuals affected with MMADHC-related conditions. Algorithms developed to predict the effect of missense changes on protein structure and function (SIFT, PolyPhen-2, Align-GVGD) all suggest that this variant is likely to be tolerated. Algorithms developed to predict the effect of sequence changes on RNA splicing suggest that this variant may create or strengthen a splice site. In summary, the available evidence is currently insufficient to determine the role of this variant in disease. Therefore, it has been classified as a Variant of Uncertain Significance.